The following is an entry in ClinVar:

ClinVar aggregate classification (germline): Uncertain significance (1 of 4 stars; one submission).

Submission:

Labcorp Genetics (formerly Invitae), Labcorp
Classification: Uncertain significance. Last evaluated: 2024-02-25. Review status: criteria provided, single submitter. Criteria: Invitae Variant Classification Sherloc (09022015). Collection method: clinical testing. Allele origin: germline.
Comment: This sequence change replaces leucine, which is neutral and non-polar, with isoleucine, which is neutral and non-polar, at codon 289 of the KIF22 protein (p.Leu289Ile). This variant is present in population databases (no rsID available, gnomAD 0.02%). This variant has not been reported in the literature in individuals affected with KIF22-related conditions. Advanced modeling of protein sequence and biophysical properties (such as structural, functional, and spatial information, amino acid conservation, physicochemical variation, residue mobility, and thermodynamic stability) performed at Invitae indicates that this missense variant is not expected to disrupt KIF22 protein function with a negative predictive value of 80%. In summary, the available evidence is currently insufficient to determine the role of this variant in disease. Therefore, it has been classified as a Variant of Uncertain Significance.

NM_007317.3(KIF22):c.865C>A (p.Leu289Ile)

Gene: KIF22 (kinesin family member 22; plus strand). Cytogenetic location: 16p11.2.
Variant type: single nucleotide variant.
Coding change: c.865C>A on transcript NM_007317.3 (MANE Select); coding-DNA position 865, C replaced by A.
Protein change: p.Leu289Ile; replaces leucine 289 with isoleucine.
Molecular consequence: missense variant.
Genome position (GRCh38, 1-based): chr16:29,799,369, C>A. VCF-style: chr16-29799369-C-A. GRCh37 (hg19) VCF-style: chr16-29810690-C-A.
Other names: c.661C>A, p.Leu221Ile (NM_001256269.2, NM_001256270.1); short protein forms L221I, L289I.
Identifiers: ClinVar variation 3665712 (VCV003665712.2).
Genomic context (GRCh38, chr16:29,799,369, plus strand): 5'-AAACTCTACCTGATTGACTTGGCTGGGTCAGAGGACAACCGGCGCACAGGCAACAAGGGC[C>A]TTCGGCTAAAAGAGAGTGGAGCCATCAACACCTCCCTGTTTGTCCTGGGCAAAGTGGTAG-3'
Protein context (NP_015556.1, residues 279-299): EDNRRTGNKG[Leu289Ile]RLKESGAINT